The following is an entry in ClinVar:

NM_001347721.2(DYRK1A):c.1882A>G (p.Thr628Ala)

Gene: DYRK1A (dual specificity tyrosine phosphorylation regulated kinase 1A; plus strand). Cytogenetic location: 21q22.13.
Variant type: single nucleotide variant.
Coding change: c.1882A>G on transcript NM_001347721.2 (MANE Select); coding-DNA position 1882, A replaced by G.
Protein change: p.Thr628Ala; replaces threonine 628 with alanine.
Molecular consequence: missense variant. On other transcripts: 3 prime UTR variant (2).
Genome position (GRCh38, 1-based): chr21:37,512,148, A>G. VCF-style: chr21-37512148-A-G. GRCh37 (hg19) VCF-style: chr21-38884451-A-G.
Other names: c.1882A>G, p.Thr628Ala (NM_001347722.2, NM_130436.2); c.1795A>G, p.Thr599Ala (NM_001347723.2); c.1909A>G, p.Thr637Ala (NM_001396.5); c.*285A>G (NM_101395.2); c.*194A>G (NM_130438.2); short protein forms T637A, T628A, T599A.
Identifiers: ClinVar variation 2796174 (VCV002796174.3), dbSNP rs755674782, ClinGen allele CA10024126.
Genomic context (GRCh38, chr21:37,512,148, plus strand): 5'-CACCACCATGGACAACAAGCCTTGGGTAACCGGACCAGGCCAAGGGTCTACAATTCTCCA[A>G]CGAATAGCTCCTCTACCCAAGATTCTATGGAGGTTGGCCACAGTCACCACTCCATGACAT-3'
Protein context (NP_001334650.1, residues 618-638): RTRPRVYNSP[Thr628Ala]NSSSTQDSME

ClinVar aggregate classification (germline): Uncertain significance (1 of 4 stars; one submission).

Conditions:
DYRK1A-related intellectual disability syndrome (MRD7). Also called: DYRK1A Syndrome; Intellectual developmental disorder, autosomal dominant 7. Identifiers: Orphanet 464306, MedGen C5568143, MONDO:0013578, OMIM 614104.

Allele frequency attached by ClinVar (database versions not stated): gnomAD exomes below 0.00001; TOPMed below 0.00001.
gnomAD v4.1: 1 of 1,614,114 alleles (0.000062%); highest among the groups gnomAD compares: Non-Finnish European, 0.000085%; no homozygotes.

Submission:

Labcorp Genetics (formerly Invitae), Labcorp
Classification: Uncertain significance for DYRK1A-related intellectual disability syndrome. Last evaluated: 2023-04-25. Review status: criteria provided, single submitter. Criteria: Invitae Variant Classification Sherloc (09022015). Collection method: clinical testing. Allele origin: germline.
Comment: In summary, the available evidence is currently insufficient to determine the role of this variant in disease. Therefore, it has been classified as a Variant of Uncertain Significance. An algorithm developed to predict the effect of missense changes on protein structure and function (PolyPhen-2) suggests that this variant is likely to be tolerated. This variant has not been reported in the literature in individuals affected with DYRK1A-related conditions. This variant is present in population databases (rs755674782, gnomAD 0.0009%). This sequence change replaces threonine, which is neutral and polar, with alanine, which is neutral and non-polar, at codon 637 of the DYRK1A protein (p.Thr637Ala).